The following is an entry in ClinVar:

ClinVar aggregate classification (germline): Uncertain significance (1 of 4 stars; one submission).

Conditions:
Hypertrophic cardiomyopathy. Also called: HYPERTROPHIC MYOCARDIOPATHY. Identifiers: Orphanet 217569, MedGen C0007194, MeSH D002312, MONDO:0005045, HP:0001639.

Allele frequency attached by ClinVar (database versions not stated): gnomAD exomes below 0.00001.
gnomAD v4.1: 2 of 1,613,922 alleles (0.00012%); highest among the groups gnomAD compares: Non-Finnish European, 0.00017%; no homozygotes.

Submission:

Labcorp Genetics (formerly Invitae), Labcorp
Classification: Uncertain significance for Hypertrophic cardiomyopathy. Last evaluated: 2023-04-07. Review status: criteria provided, single submitter. Criteria: Invitae Variant Classification Sherloc (09022015). Collection method: clinical testing. Allele origin: germline.
Comment: In summary, the available evidence is currently insufficient to determine the role of this variant in disease. Therefore, it has been classified as a Variant of Uncertain Significance. An algorithm developed to predict the effect of missense changes on protein structure and function (PolyPhen-2) suggests that this variant is likely to be tolerated. This variant has not been reported in the literature in individuals affected with JPH2-related conditions. This variant is not present in population databases (gnomAD no frequency). This sequence change replaces serine, which is neutral and polar, with asparagine, which is neutral and polar, at codon 99 of the JPH2 protein (p.Ser99Asn).

NM_020433.5(JPH2):c.296G>A (p.Ser99Asn)

Gene: JPH2 (junctophilin 2; minus strand). Cytogenetic location: 20q13.12.
Variant type: single nucleotide variant.
Coding change: c.296G>A on transcript NM_020433.5 (MANE Select); coding-DNA position 296, G replaced by A.
Protein change: p.Ser99Asn; replaces serine 99 with asparagine.
Molecular consequence: missense variant.
Genome position (GRCh38, 1-based): chr20:44,186,410, C>T on the plus strand (G>A on the coding strand, the complement: JPH2 is on the minus strand). VCF-style: chr20-44186410-C-T. GRCh37 (hg19) VCF-style: chr20-42815050-C-T.
Other names: c.296G>A, p.Ser99Asn (NM_175913.4); short protein forms S99N.
Identifiers: ClinVar variation 2740527 (VCV002740527.3), dbSNP rs2515764096, ClinGen allele CA409095105.